The following is an entry in ClinVar:

ClinVar aggregate classification (germline): Likely benign. Review status: criteria provided, multiple submitters, no conflicts (2 of 4 stars). 4 submissions from 4 submitters: Likely benign (4). Last evaluated 2024-11-28.

Allele frequency attached by ClinVar (database versions not stated): gnomAD 0.00015; ExAC 0.00082.

Submissions (4):

Blueprint Genetics
Classification: Likely benign. Last evaluated: 2024-11-28. Review status: criteria provided, single submitter. Criteria: ACMG Guidelines, 2015. Collection method: clinical testing. Allele origin: germline.

CeGaT Center for Human Genetics Tuebingen
Classification: Likely benign. Last evaluated: 2023-08-01. Review status: criteria provided, single submitter. Criteria: CeGaT Center For Human Genetics Tuebingen Variant Classification Criteria Version 2. Collection method: clinical testing. Allele origin: germline. Affected: yes. Observed: 3 variant alleles.
Comment: RLIM: BP4, BP7

Labcorp Genetics (formerly Invitae), Labcorp
Classification: Likely benign. Last evaluated: 2018-09-28. Review status: criteria provided, single submitter. Criteria: Invitae Variant Classification Sherloc (09022015). Collection method: clinical testing. Allele origin: germline.

Breakthrough Genomics
Classification: Likely benign. Review status: criteria provided, single submitter. Criteria: ACMG Guidelines, 2015. Collection method: not provided. Allele origin: germline. Inheritance: X-linked inheritance. Affected: yes.

NM_016120.4(RLIM):c.1389C>A (p.Ser463=)

Gene: RLIM (ring finger protein, LIM domain interacting; minus strand). Cytogenetic location: Xq13.2.
Variant type: single nucleotide variant.
Coding change: c.1389C>A on transcript NM_016120.4 (MANE Select); coding-DNA position 1389, C replaced by A.
Protein change: p.Ser463=; no amino-acid change (serine 463 retained).
Molecular consequence: synonymous variant.
Genome position (GRCh38, 1-based): chrX:74,591,926, G>T on the plus strand (C>A on the coding strand, the complement: RLIM is on the minus strand). VCF-style: chrX-74591926-G-T. GRCh37 (hg19) VCF-style: chrX-73811761-G-T.
Other names: c.1389C>A, p.Ser463= (NM_183353.3).
Identifiers: ClinVar variation 1078562 (VCV001078562.34), dbSNP rs773922290, ClinGen allele CA10454623.
Genomic context (GRCh38, chrX:74,591,926, plus strand): 5'-ACCACCGGAACTGGAACTAGGACTGGAACTGGAACTTGAACTGGAACTGGAACTCGAACT[G>T]GAACTGGAACTCGAACTGGAACCAGAACTACTACCACCACCAGAACCTCCTCTTCCACTC-3'
Protein context (NP_057204.2, residues 453-473): SSSGSSSSSS[Ser463=]SSSSSSSSSS